The following is an entry in ClinVar:

ClinVar aggregate classification (germline): Uncertain significance (1 of 4 stars; one submission).

Conditions:
Hereditary spastic paraplegia 9A. Also called: CATARACTS WITH MOTOR NEURONOPATHY, SHORT STATURE, AND SKELETAL ABNORMALITIES; SPASTIC PARAPLEGIA 9A, AUTOSOMAL DOMINANT; SPASTIC PARAPARESIS WITH AMYOTROPHY, CATARACTS, AND GASTROESOPHAGEAL REFLUX. Identifiers: Orphanet 100990, Orphanet 447753, MedGen C5568978, MONDO:0011006, OMIM 601162.

gnomAD v4.1: 3 of 1,613,972 alleles (0.00019%); highest among the groups gnomAD compares: Non-Finnish European, 0.00025%; no homozygotes.

Submission:

Dubai Health Genomic Medicine Center, Dubai Health
Classification: Uncertain significance for Hereditary spastic paraplegia 9A. Last evaluated: 2020-01-06. Review status: criteria provided, single submitter. Criteria: ACMG Guidelines, 2015. Collection method: clinical testing. Allele origin: germline. Affected: yes.
Comment: The p.Glu413Gln missense variant in ALDH18A1 has not been previously reported in affected individuals and is absent from large population studies such the Genome Aggregation Database (gnomAD) and the Greater Middle East (GME) variome database. Conservation analysis and computational prediction tools do not provide evidence for or against pathogenicity. In summary more information is needed to determine the clinical significance of this variant.

NM_002860.4(ALDH18A1):c.1237G>C (p.Glu413Gln)

Gene: ALDH18A1 (aldehyde dehydrogenase 18 family member A1; minus strand). Cytogenetic location: 10q24.1.
Variant type: single nucleotide variant.
Coding change: c.1237G>C on transcript NM_002860.4 (MANE Select); coding-DNA position 1237, G replaced by C.
Protein change: p.Glu413Gln; replaces glutamic acid 413 with glutamine.
Molecular consequence: missense variant.
Genome position (GRCh38, 1-based): chr10:95,625,371, C>G on the plus strand (G>C on the coding strand, the complement: ALDH18A1 is on the minus strand). VCF-style: chr10-95625371-C-G. GRCh37 (hg19) VCF-style: chr10-97385128-C-G.
Other names: c.1231G>C, p.Glu411Gln (NM_001017423.2, NM_001323415.2); c.904G>C, p.Glu302Gln (NM_001323412.2, NM_001323416.2); c.1237G>C, p.Glu413Gln (NM_001323413.2, NM_001323414.2); c.1132G>C, p.Glu378Gln (NM_001323417.2); c.898G>C, p.Glu300Gln (NM_001323418.2); c.601G>C, p.Glu201Gln (NM_001323419.2); short protein forms E201Q, E300Q, E302Q, E378Q, E411Q, E413Q.
Identifiers: ClinVar variation 1301642 (VCV001301642.2), dbSNP rs147348068, ClinGen allele CA377702590.